The following is an entry in ClinVar:

NM_000219.6(KCNE1):c.290C>A (p.Ala97Asp)

Gene: KCNE1 (potassium voltage-gated channel subfamily E regulatory subunit 1; minus strand). Cytogenetic location: 21q22.12.
Variant type: single nucleotide variant.
Coding change: c.290C>A on transcript NM_000219.6 (MANE Select); coding-DNA position 290, C replaced by A.
Protein change: p.Ala97Asp; replaces alanine 97 with aspartic acid.
Molecular consequence: missense variant.
Genome position (GRCh38, 1-based): chr21:34,449,345, G>T on the plus strand (C>A on the coding strand, the complement: KCNE1 is on the minus strand). VCF-style: chr21-34449345-G-T. GRCh37 (hg19) VCF-style: chr21-35821643-G-T.
Other names: c.290C>A, p.Ala97Asp (NM_001127668.4, NM_001127669.4, NM_001127670.4 and 4 more transcripts); short protein forms A97D.
Identifiers: ClinVar variation 3374547 (VCV003374547.2).

Conditions:
Long QT syndrome 5 (LQT5). Identifiers: Orphanet 101016, Orphanet 768, MedGen C1867904, MONDO:0013372, OMIM 613695.

Submission:

Roden Lab, Vanderbilt University Medical Center
No classification provided (evidence only). Condition: Long QT syndrome 5. Review status: no classification provided. Collection method: in vitro. Allele origin: not applicable. Functional consequence: Effect on ion channel function.
ClinVar note: "not provided" was previously submitted as the classification for the variant. However, the classification appeared to be based only on an observation of functional data so it was converted to no classification on 2025-07-30.